The following is an entry in ClinVar:

ClinVar aggregate classification (germline): Pathogenic (1 of 4 stars; one submission).

Submission:

ISCA Site 6
Classification: Pathogenic. Last evaluated: 2011-08-12. Review status: criteria provided, single submitter. Criteria: Kaminsky et al. (Genet Med. 2011). Collection method: clinical testing. Allele origin: unknown. Affected: yes. Observed: 1 variant allele.
Comment: Copy number variation identified through the course of routine clinical cytogenomic testing in postnatal populations. Clinical assertions have been curated as described in Kaminsky et al. 2011.

GRCh38/hg38 15q11.2-13.1(chr15:23319714-28197267)x1

Genes: ATP10A (ATPase phospholipid transporting 10A (putative); minus strand), ATP10A-DT (ATP10A divergent transcript; plus strand), GABRA5 (gamma-aminobutyric acid type A receptor subunit alpha5; plus strand), GABRB3 (gamma-aminobutyric acid type A receptor subunit beta3; minus strand), GABRG3 (gamma-aminobutyric acid type A receptor subunit gamma3; plus strand) and 139 more. Cytogenetic location: 15q11.2-13.1.
Variant type: copy number loss.
Change: copy number 1 (one copy instead of two) of chr15:23,319,714-28,197,267 (4.88 Mb, GRCh38 coordinates, 1-based), cytogenetic band 15q11.2-13.1.
Identifiers: ClinVar variation 58585 (VCV000058585.2).